The following is an entry in ClinVar:

ClinVar aggregate classification (germline): Uncertain significance (1 of 4 stars; one submission).

gnomAD v4.1: 5 of 1,602,154 alleles (0.00031%); highest among the groups gnomAD compares: Admixed American, 0.0034%; no homozygotes.

Submission:

Ambry Genetics
Classification: Uncertain significance. Last evaluated: 2026-06-03. Review status: criteria provided, single submitter. Criteria: Ambry Variant Classification Scheme 2023. Collection method: clinical testing. Allele origin: germline.
Comment: The c.4057G>T (p.A1353S) alteration is located in exon 3 (coding exon 3) of the MUC17 gene. This alteration results from a G to T substitution at nucleotide position 4057, causing the alanine (A) at amino acid position 1353 to be replaced by a serine (S). Based on data from gnomAD, the T allele has an overall frequency of 0.001% (2/251012) total alleles studied. The highest observed frequency was 0.006% (2/34562) of Latino alleles. Based on insufficient or conflicting evidence, the clinical significance of this alteration remains unclear.

NM_001040105.2(MUC17):c.4057G>T (p.Ala1353Ser)

Gene: MUC17 (mucin 17, cell surface associated; plus strand). Cytogenetic location: 7q22.1.
Variant type: single nucleotide variant.
Coding change: c.4057G>T on transcript NM_001040105.2 (MANE Select); coding-DNA position 4057, G replaced by T.
Protein change: p.Ala1353Ser; replaces alanine 1353 with serine.
Molecular consequence: missense variant. On other transcripts: non-coding transcript variant (1).
Genome position (GRCh38, 1-based): chr7:101,035,473, G>T. VCF-style: chr7-101035473-G-T. GRCh37 (hg19) VCF-style: chr7-100678754-G-T.
Other names: short protein forms A1353S.
Identifiers: ClinVar variation 4860463 (VCV004860463.1).